The following is an entry in ClinVar:

ClinVar aggregate classification (germline): Uncertain significance (1 of 4 stars; one submission).

Conditions:
Cardiovascular phenotype. Identifiers: MedGen CN230736.
Hereditary cancer-predisposing syndrome. Also called: Hereditary Cancer Syndrome; Hereditary neoplastic syndrome; Neoplastic Syndromes, Hereditary; Tumor predisposition. Identifiers: Orphanet 140162, MedGen C0027672, MeSH D009386, MONDO:0015356.

Submission:

Ambry Genetics
Classification: Uncertain significance for Cardiovascular phenotype; Hereditary cancer-predisposing syndrome. Last evaluated: 2022-02-07. Review status: criteria provided, single submitter. Criteria: Ambry Variant Classification Scheme 2023. Collection method: clinical testing. Allele origin: germline.
Comment: The p.D317G variant (also known as c.950A>G), located in coding exon 9 of the LZTR1 gene, results from an A to G substitution at nucleotide position 950. The aspartic acid at codon 317 is replaced by glycine, an amino acid with similar properties. This amino acid position is conserved. In addition, this alteration is predicted to be deleterious by in silico analysis. Since supporting evidence is limited at this time, the clinical significance of this alteration remains unclear.

NM_006767.4(LZTR1):c.950A>G (p.Asp317Gly)

Gene: LZTR1 (leucine zipper like post translational regulator 1; plus strand). Cytogenetic location: 22q11.21.
Variant type: single nucleotide variant.
Coding change: c.950A>G on transcript NM_006767.4 (MANE Select); coding-DNA position 950, A replaced by G.
Protein change: p.Asp317Gly; replaces aspartic acid 317 with glycine.
Molecular consequence: missense variant.
Genome position (GRCh38, 1-based): chr22:20,991,786, A>G. VCF-style: chr22-20991786-A-G. GRCh37 (hg19) VCF-style: chr22-21346075-A-G.
Other names: short protein forms D317G.
Identifiers: ClinVar variation 1767199 (VCV001767199.2), dbSNP rs2518617317, ClinGen allele CA410781527.